The following is an entry in ClinVar:

NM_004821.3(HAND1):c.355G>C (p.Glu119Gln)

Gene: HAND1 (heart and neural crest derivatives expressed 1; minus strand). Cytogenetic location: 5q33.2.
Variant type: single nucleotide variant.
Coding change: c.355G>C on transcript NM_004821.3 (MANE Select); coding-DNA position 355, G replaced by C.
Protein change: p.Glu119Gln; replaces glutamic acid 119 with glutamine.
Molecular consequence: missense variant.
Genome position (GRCh38, 1-based): chr5:154,477,654, C>G on the plus strand (G>C on the coding strand, the complement: HAND1 is on the minus strand). VCF-style: chr5-154477654-C-G. GRCh37 (hg19) VCF-style: chr5-153857214-C-G.
Other names: short protein forms E119Q.
Identifiers: ClinVar variation 2892027 (VCV002892027.3), dbSNP rs1400422414, ClinGen allele CA361922496.

ClinVar aggregate classification (germline): Uncertain significance (1 of 4 stars; one submission).

Conditions:
Hypoplastic left heart syndrome. Also called: Hypoplastic left ventricle; Hypoplastic left heart. Identifiers: Orphanet 2248, MedGen C0152101, MONDO:0004933, HP:0004383.

Submission:

Labcorp Genetics (formerly Invitae), Labcorp
Classification: Uncertain significance for Hypoplastic left heart syndrome. Last evaluated: 2025-03-18. Review status: criteria provided, single submitter. Criteria: Invitae Variant Classification Sherloc (09022015). Collection method: clinical testing. Allele origin: germline.
Comment: This sequence change replaces glutamic acid, which is acidic and polar, with glutamine, which is neutral and polar, at codon 119 of the HAND1 protein (p.Glu119Gln). This variant is present in population databases (no rsID available, gnomAD 0.003%). This variant has not been reported in the literature in individuals affected with HAND1-related conditions. ClinVar contains an entry for this variant (Variation ID: 2892027). An algorithm developed to predict the effect of missense changes on protein structure and function (PolyPhen-2) suggests that this variant is likely to be disruptive. In summary, the available evidence is currently insufficient to determine the role of this variant in disease. Therefore, it has been classified as a Variant of Uncertain Significance.